The following is an entry in ClinVar:

ClinVar aggregate classification (germline): Uncertain significance (1 of 4 stars; one submission).

Submission:

Labcorp Genetics (formerly Invitae), Labcorp
Classification: Uncertain significance. Last evaluated: 2024-09-29. Review status: criteria provided, single submitter. Criteria: Invitae Variant Classification Sherloc (09022015). Collection method: clinical testing. Allele origin: germline.
Comment: This sequence change replaces alanine, which is neutral and non-polar, with glycine, which is neutral and non-polar, at codon 1431 of the ADCY10 protein (p.Ala1431Gly). This variant is not present in population databases (gnomAD no frequency). This variant has not been reported in the literature in individuals affected with ADCY10-related conditions. An algorithm developed to predict the effect of missense changes on protein structure and function outputs the following: PolyPhen-2: "Benign". The glycine amino acid residue is found in multiple mammalian species, which suggests that this missense change does not adversely affect protein function. In summary, the available evidence is currently insufficient to determine the role of this variant in disease. Therefore, it has been classified as a Variant of Uncertain Significance.

NM_018417.6(ADCY10):c.4292C>G (p.Ala1431Gly)

Gene: ADCY10 (adenylate cyclase 10; minus strand). Cytogenetic location: 1q24.2.
Variant type: single nucleotide variant.
Coding change: c.4292C>G on transcript NM_018417.6 (MANE Select); coding-DNA position 4292, C replaced by G.
Protein change: p.Ala1431Gly; replaces alanine 1431 with glycine.
Molecular consequence: missense variant.
Genome position (GRCh38, 1-based): chr1:167,818,262, G>C on the plus strand (C>G on the coding strand, the complement: ADCY10 is on the minus strand). VCF-style: chr1-167818262-G-C. GRCh37 (hg19) VCF-style: chr1-167787500-G-C.
Other names: c.3833C>G, p.Ala1278Gly (NM_001167749.3); c.4016C>G, p.Ala1339Gly (NM_001297772.2); short protein forms A1339G, A1278G, A1431G.
Identifiers: ClinVar variation 3673233 (VCV003673233.2).